The following is an entry in ClinVar:

NM_001142800.2(EYS):c.8501C>T (p.Pro2834Leu)

Genes: EYS (eyes shut homolog; minus strand), PHF3 (PHD finger protein 3; plus strand). Cytogenetic location: 6q12.
Variant type: single nucleotide variant.
Coding change: c.8501C>T on transcript NM_001142800.2 (MANE Select); coding-DNA position 8501, C replaced by T.
Protein change: p.Pro2834Leu; replaces proline 2834 with leucine.
Molecular consequence: missense variant. On other transcripts: 3 prime UTR variant (5).
Genome position (GRCh38, 1-based): chr6:63,721,530, G>A on the plus strand (C>T on the coding strand, the complement: EYS is on the minus strand). VCF-style: chr6-63721530-G-A. GRCh37 (hg19) VCF-style: chr6-64431426-G-A.
Other names: c.*7822G>A (NM_001290259.2, NM_001370348.2, NM_001370349.2 and 2 more transcripts); c.8564C>T, p.Pro2855Leu (NM_001292009.2); short protein forms P2855L, P2834L.
Identifiers: ClinVar variation 1372967 (VCV001372967.5), dbSNP rs2149625204, ClinGen allele CA364384627.
Genomic context (GRCh38, chr6:63,721,530, plus strand): 5'-TTTATGATAACTTGTCGGATACAGCCTTGAAAACCTACAGGTTCATTTTCTATTGCCATG[G>A]GATTTACAAGATTTAAAGAAGATACTCCTCCAATATAGAAGTCTGTATTTGTGTCCAGAG-3'
Protein context (NP_001136272.1, residues 2824-2844): GGVSSLNLVN[Pro2834Leu]MAIENEPVGF

ClinVar aggregate classification (germline): Uncertain significance (1 of 4 stars; one submission).

Submission:

Labcorp Genetics (formerly Invitae), Labcorp
Classification: Uncertain significance. Last evaluated: 2022-06-20. Review status: criteria provided, single submitter. Criteria: Invitae Variant Classification Sherloc (09022015). Collection method: clinical testing. Allele origin: germline.
Comment: This sequence change replaces proline, which is neutral and non-polar, with leucine, which is neutral and non-polar, at codon 2834 of the EYS protein (p.Pro2834Leu). This variant is not present in population databases (gnomAD no frequency). This variant has not been reported in the literature in individuals affected with EYS-related conditions. Algorithms developed to predict the effect of missense changes on protein structure and function are either unavailable or do not agree on the potential impact of this missense change (SIFT: "Deleterious"; PolyPhen-2: "Possibly Damaging"; Align-GVGD: "Class C0"). In summary, the available evidence is currently insufficient to determine the role of this variant in disease. Therefore, it has been classified as a Variant of Uncertain Significance.